The following is an entry in ClinVar:

NM_002693.3(POLG):c.3368T>C (p.Phe1123Ser)

Gene: POLG (DNA polymerase gamma, catalytic subunit; minus strand). Cytogenetic location: 15q26.1.
Variant type: single nucleotide variant.
Coding change: c.3368T>C on transcript NM_002693.3 (MANE Select); coding-DNA position 3368, T replaced by C.
Protein change: p.Phe1123Ser; replaces phenylalanine 1123 with serine.
Molecular consequence: missense variant.
Genome position (GRCh38, 1-based): chr15:89,318,655, A>G on the plus strand (T>C on the coding strand, the complement: POLG is on the minus strand). VCF-style: chr15-89318655-A-G. GRCh37 (hg19) VCF-style: chr15-89861886-A-G.
Other names: c.3368T>C, p.Phe1123Ser (NM_001126131.2); short protein forms F1123S.
Identifiers: ClinVar variation 1483709 (VCV001483709.8), dbSNP rs1441495346, ClinGen allele CA10602270.

ClinVar aggregate classification (germline): Uncertain significance (1 of 4 stars; one submission).

Conditions:
Progressive sclerosing poliodystrophy (MTDPS4A). Also called: Mitochondrial DNA depletion syndrome 4A (Alpers type); ALPERS PROGRESSIVE INFANTILE POLIODYSTROPHY; NEURONAL DEGENERATION OF CHILDHOOD WITH LIVER DISEASE, PROGRESSIVE; Mitochondrial DNA Depletion Syndrome 4A; Alpers-Huttenlocher Syndrome (AHS); Alpers Syndrome. Identifiers: Orphanet 726, MedGen C0205710, MONDO:0008758, OMIM 203700.

Allele frequency attached by ClinVar (database versions not stated): gnomAD exomes 0.00001; TOPMed 0.00001; gnomAD 0.00002.
gnomAD v4.1: 9 of 1,614,134 alleles (0.00056%); highest among the groups gnomAD compares: Admixed American, 0.0033%; no homozygotes.

Submission:

Labcorp Genetics (formerly Invitae), Labcorp
Classification: Uncertain significance for Progressive sclerosing poliodystrophy. Last evaluated: 2023-03-24. Review status: criteria provided, single submitter. Criteria: Invitae Variant Classification Sherloc (09022015). Collection method: clinical testing. Allele origin: germline.
Comment: This sequence change replaces phenylalanine, which is neutral and non-polar, with serine, which is neutral and polar, at codon 1123 of the POLG protein (p.Phe1123Ser). This variant is present in population databases (no rsID available, gnomAD 0.006%). This variant has not been reported in the literature in individuals affected with POLG-related conditions. ClinVar contains an entry for this variant (Variation ID: 1483709). Advanced modeling of protein sequence and biophysical properties (such as structural, functional, and spatial information, amino acid conservation, physicochemical variation, residue mobility, and thermodynamic stability) has been performed at Invitae for this missense variant, however the output from this modeling did not meet the statistical confidence thresholds required to predict the impact of this variant on POLG protein function. In summary, the available evidence is currently insufficient to determine the role of this variant in disease. Therefore, it has been classified as a Variant of Uncertain Significance.